The following is an entry in ClinVar:

NM_001111.5(ADAR):c.1106C>G (p.Thr369Arg)

Gene: ADAR (adenosine deaminase RNA specific; minus strand). Cytogenetic location: 1q21.3.
Variant type: single nucleotide variant.
Coding change: c.1106C>G on transcript NM_001111.5 (MANE Select); coding-DNA position 1106, C replaced by G.
Protein change: p.Thr369Arg; replaces threonine 369 with arginine.
Molecular consequence: missense variant.
Genome position (GRCh38, 1-based): chr1:154,601,536, G>C on the plus strand (C>G on the coding strand, the complement: ADAR is on the minus strand). VCF-style: chr1-154601536-G-C. GRCh37 (hg19) VCF-style: chr1-154574012-G-C.
Other names: c.221C>G, p.Thr74Arg (NM_001025107.3, NM_001193495.2, NM_001365046.1 and 3 more transcripts); c.1133C>G, p.Thr378Arg (NM_001365045.1); c.1106C>G, p.Thr369Arg (NM_015840.4, NM_015841.4); short protein forms T369R, T74R, T378R.
Identifiers: ClinVar variation 1414682 (VCV001414682.8), dbSNP rs958924655, ClinGen allele CA30810009.

ClinVar aggregate classification (germline): Uncertain significance. Review status: criteria provided, multiple submitters, no conflicts (2 of 4 stars). 3 submissions from 3 submitters: Uncertain significance (3). Last evaluated 2025-07-15.

Conditions:
Symmetrical dyschromatosis of extremities (DSH). Also called: SYMMETRIC DYSCHROMATOSIS OF THE EXTREMITIES; Dyschromatosis symmetrica hereditaria; DYSCHROMATOSIS SYMMETRICA HEREDITARIA 1; RETICULATE ACROPIGMENTATION OF DOHI. Identifiers: Orphanet 41, MedGen C0406775, MONDO:0007483, OMIM 127400.
Aicardi-Goutieres syndrome 6 (AGS6). Identifiers: Orphanet 51, MedGen C3539013, MONDO:0014007, OMIM 615010.

Submissions (3):

Labcorp Genetics (formerly Invitae), Labcorp
Classification: Uncertain significance for Aicardi-Goutieres syndrome 6; Symmetrical dyschromatosis of extremities. Last evaluated: 2025-07-15. Review status: criteria provided, single submitter. Criteria: Invitae Variant Classification Sherloc (09022015). Collection method: clinical testing. Allele origin: germline.
Comment: This sequence change replaces threonine, which is neutral and polar, with arginine, which is basic and polar, at codon 369 of the ADAR protein (p.Thr369Arg). This variant is not present in population databases (gnomAD no frequency). This variant has not been reported in the literature in individuals affected with ADAR-related conditions. ClinVar contains an entry for this variant (Variation ID: 1414682). Invitae Evidence Modeling of protein sequence and biophysical properties (such as structural, functional, and spatial information, amino acid conservation, physicochemical variation, residue mobility, and thermodynamic stability) indicates that this missense variant is not expected to disrupt ADAR protein function with a negative predictive value of 80%. In summary, the available evidence is currently insufficient to determine the role of this variant in disease. Therefore, it has been classified as a Variant of Uncertain Significance.

Women's Health and Genetics/Laboratory Corporation of America, LabCorp
Classification: Uncertain significance. Last evaluated: 2024-07-11. Review status: criteria provided, single submitter. Criteria: LabCorp Variant Classification Summary - May 2015. Collection method: clinical testing. Allele origin: germline.
Comment: Variant summary: ADAR c.1106C>G (p.Thr369Arg) results in a non-conservative amino acid change in the encoded protein sequence. Four of five in-silico tools predict a benign effect of the variant on protein function. The variant was absent in 250768 control chromosomes. The available data on variant occurrences in the general population are insufficient to allow any conclusion about variant significance. To our knowledge, no occurrence of c.1106C>G in individuals affected with Aicardi-Goutieres Syndrome 6 and no experimental evidence demonstrating its impact on protein function have been reported. ClinVar contains an entry for this variant (Variation ID: 1414682). Based on the evidence outlined above, the variant was classified as uncertain significance.

Blueprint Genetics
Classification: Uncertain significance. Last evaluated: 2019-11-21. Review status: criteria provided, single submitter. Criteria: ACMG Guidelines, 2015. Collection method: clinical testing. Allele origin: germline.